The following is an entry in ClinVar:

ClinVar aggregate classification (germline): Uncertain significance (1 of 4 stars; one submission).

Submission:

GeneDx
Classification: Uncertain significance. Last evaluated: 2026-02-01. Review status: criteria provided, single submitter. Criteria: GeneDx Variant Classification Process June 2021. Collection method: clinical testing. Allele origin: germline.
Comment: Not observed at significant frequency in large population cohorts (gnomAD); Stop codon loss and change to a Leu codon, leading to protein extension and the addition of 19 amino acids at the C-terminus; Has not been previously published as pathogenic or benign to our knowledge

NM_001363066.2(CLDN5):c.656G>T (p.Ter219Leu)

Gene: CLDN5 (claudin 5; minus strand). Cytogenetic location: 22q11.21.
Variant type: single nucleotide variant.
Coding change: c.656G>T on transcript NM_001363066.2 (MANE Select); coding-DNA position 656, G replaced by T.
Protein change: p.Ter219Leu.
Molecular consequence: stop lost.
Genome position (GRCh38, 1-based): chr22:19,523,600, C>A on the plus strand (G>T on the coding strand, the complement: CLDN5 is on the minus strand). VCF-style: chr22-19523600-C-A. GRCh37 (hg19) VCF-style: chr22-19511123-C-A.
Other names: c.911G>T, p.Ter304Leu (NM_001130861.1, NM_001363067.2, NM_003277.4).
Identifiers: ClinVar variation 4975127 (VCV004975127.1).
Genomic context (GRCh38, chr22:19,523,600, plus strand): 5'-GCTTATCCAACGCCTCGCAGGCGTGGCTGGCAGGAGGGGCCCGGCCGTGCCCAGCGCCCT[C>A]AGACGTAGTTCTTCTTGTCGTAGTCGCCGGTGGCCGTGGGCCGCCGCGGCGCTGAGTACT-3'